The following is an entry in ClinVar:

NM_014844.5(TECPR2):c.2281G>A (p.Gly761Arg)

Gene: TECPR2 (tectonin beta-propeller repeat containing 2; plus strand). Cytogenetic location: 14q32.31.
Variant type: single nucleotide variant.
Coding change: c.2281G>A on transcript NM_014844.5 (MANE Select); coding-DNA position 2281, G replaced by A.
Protein change: p.Gly761Arg; replaces glycine 761 with arginine.
Molecular consequence: missense variant.
Genome position (GRCh38, 1-based): chr14:102,435,098, G>A. VCF-style: chr14-102435098-G-A. GRCh37 (hg19) VCF-style: chr14-102901435-G-A.
Other names: c.2281G>A, p.Gly761Arg (NM_001172631.3); short protein forms G761R.
Identifiers: ClinVar variation 990794 (VCV000990794.3), dbSNP rs985650252, ClinGen allele CA267057748.
Genomic context (GRCh38, chr14:102,435,098, plus strand): 5'-GAGCAGCCTCCACGGGATCAGACATTGACGTCCAGCGATGAGGAGGACATCTATGCCCAC[G>A]GGCTTCCTTCTTCATCCTCAGAGACGAGTGTGACAGAGCTCGGACCTAGTTGCTCCCAGC-3'
Protein context (NP_055659.2, residues 751-771): SSDEEDIYAH[Gly761Arg]LPSSSSETSV

ClinVar aggregate classification (germline): Uncertain significance. Review status: criteria provided, single submitter (1 of 4 stars). 2 submissions from 2 submitters: Uncertain significance (1). 1 of the submissions does not count toward it. Last evaluated 2022-07-08.

Conditions:
Hereditary spastic paraplegia 49 (HSAN9). Also called: Spastic paraplegia 49, autosomal recessive; NEUROPATHY, HEREDITARY SENSORY AND AUTONOMIC, TYPE IX, WITH DEVELOPMENTAL DELAY; TECPR2-Related Hereditary Sensory and Autonomic Neuropathy with Intellectual Disability. Identifiers: Orphanet 320385, MedGen C5190860, MONDO:0014016, OMIM 615031.

Allele frequency attached by ClinVar (database versions not stated): gnomAD 0.00001 and 0.00002; gnomAD exomes 0.00002; TOPMed 0.00002.
gnomAD v4.1: 5 of 1,613,704 alleles (0.00031%); highest among the groups gnomAD compares: African/African-American, 0.0027%; no homozygotes.

Submissions (2):

Labcorp Genetics (formerly Invitae), Labcorp
Classification: Uncertain significance for Hereditary spastic paraplegia 49. Last evaluated: 2022-07-08. Review status: criteria provided, single submitter. Criteria: Invitae Variant Classification Sherloc (09022015). Collection method: clinical testing. Allele origin: germline.
Comment: This sequence change replaces glycine, which is neutral and non-polar, with arginine, which is basic and polar, at codon 761 of the TECPR2 protein (p.Gly761Arg). This variant is present in population databases (no rsID available, gnomAD 0.007%). This variant has not been reported in the literature in individuals affected with TECPR2-related conditions. ClinVar contains an entry for this variant (Variation ID: 990794). Algorithms developed to predict the effect of missense changes on protein structure and function (SIFT, PolyPhen-2, Align-GVGD) all suggest that this variant is likely to be tolerated. Algorithms developed to predict the effect of sequence changes on RNA splicing suggest that this variant may create or strengthen a splice site. In summary, the available evidence is currently insufficient to determine the role of this variant in disease. Therefore, it has been classified as a Variant of Uncertain Significance.

Natera, Inc.
Classification: Uncertain significance for Autosomal recessive spastic paraplegia type 49. Last evaluated: 2020-04-16. Review status: no assertion criteria provided. Collection method: clinical testing. Allele origin: germline. Not counted in ClinVar's aggregate classification.